The following is an entry in ClinVar:

ClinVar aggregate classification (germline): Uncertain significance (1 of 4 stars; one submission).

Conditions:
Acute febrile neutrophilic dermatosis (AFND). Also called: Sweet Syndrome; Gomm Button disease. Identifiers: Orphanet 3243, MedGen C0085077, MONDO:0011959, OMIM 608068.

gnomAD v4.1: 9 of 1,614,078 alleles (0.00056%); highest among the groups gnomAD compares: South Asian, 0.0022%; no homozygotes.

Submission:

OLLIN Analises Genomicas, OLLIN
Classification: Uncertain significance for Acute febrile neutrophilic dermatosis. Last evaluated: 2026-08-06. Review status: criteria provided, single submitter. Criteria: ACMG Guidelines 2015 PMID 25741868. Collection method: clinical testing. Allele origin: germline. Inheritance: Autosomal dominant inheritance.
Comment: This nonsense variant, located in exon 4 (of 10), has been reported in ClinVar (accession VCV002119550.4) and in gnomAD with an allele frequency of 0.00056%. However, to our knowledge, it has not been reported in the scientific literature. This variant introduces a premature stop codon, which is predicted to result in either a truncated protein or degradation of the mRNA via nonsense-mediated decay (NMD). According to the currently available evidence, this variant has been classified as uncertain significance (PM2_P).

NM_000243.3(MEFV):c.1318C>T (p.Gln440Ter)

Gene: MEFV (MEFV innate immunity regulator, pyrin; minus strand). Cytogenetic location: 16p13.3.
Variant type: single nucleotide variant.
Coding change: c.1318C>T on transcript NM_000243.3 (MANE Select); coding-DNA position 1318, C replaced by T.
Protein change: p.Gln440Ter; replaces glutamine 440 with a stop codon.
Molecular consequence: nonsense.
Genome position (GRCh38, 1-based): chr16:3,248,947, G>A on the plus strand (C>T on the coding strand, the complement: MEFV is on the minus strand). VCF-style: chr16-3248947-G-A. GRCh37 (hg19) VCF-style: chr16-3298947-G-A.
Other names: c.685C>T, p.Gln229Ter (NM_001198536.2); short protein forms Q229*, Q440*.
Identifiers: ClinVar variation 5002841 (VCV005002841.1).